The following is an entry in ClinVar:

ClinVar aggregate classification (germline): Uncertain significance. Review status: criteria provided, multiple submitters, no conflicts (2 of 4 stars). 2 submissions from 2 submitters: Uncertain significance (2). Last evaluated 2025-01-30.

Conditions:
Inborn genetic diseases. Identifiers: MedGen C0950123, MeSH D030342.
Brachyolmia-amelogenesis imperfecta syndrome. Also called: Tooth agenesis, selective, 6; Dental anomalies and short stature; PLATYSPONDYLY WITH AMELOGENESIS IMPERFECTA. Identifiers: Orphanet 2899, MedGen C1832594, MONDO:0011018, OMIM 601216. Disease mechanism: loss of function.

Allele frequency attached by ClinVar (database versions not stated): TOPMed 0.00010; gnomAD 0.00014; 1000 Genomes Project 0.00020; ESP Exome Variant Server 0.00023; 1000 Genomes Project 30x 0.00031.
gnomAD v4.1: 265 of 1,614,102 alleles (0.016%); highest among the groups gnomAD compares: Admixed American, 0.035%; 2 homozygotes.

Submissions (2):

Labcorp Genetics (formerly Invitae), Labcorp
Classification: Uncertain significance for Brachyolmia-amelogenesis imperfecta syndrome. Last evaluated: 2025-01-30. Review status: criteria provided, single submitter. Criteria: Invitae Variant Classification Sherloc (09022015). Collection method: clinical testing. Allele origin: germline.
Comment: This sequence change replaces valine, which is neutral and non-polar, with methionine, which is neutral and non-polar, at codon 794 of the LTBP3 protein (p.Val794Met). This variant is present in population databases (rs144309426, gnomAD 0.03%). This variant has not been reported in the literature in individuals affected with LTBP3-related conditions. ClinVar contains an entry for this variant (Variation ID: 577538). An algorithm developed to predict the effect of missense changes on protein structure and function outputs the following: PolyPhen-2: "Benign". The methionine amino acid residue is found in multiple mammalian species, which suggests that this missense change does not adversely affect protein function. In summary, the available evidence is currently insufficient to determine the role of this variant in disease. Therefore, it has been classified as a Variant of Uncertain Significance.

Ambry Genetics
Classification: Uncertain significance for Inborn genetic diseases. Last evaluated: 2021-08-02. Review status: criteria provided, single submitter. Criteria: Ambry Variant Classification Scheme 2023. Collection method: clinical testing. Allele origin: germline.
Comment: The p.V794M variant (also known as c.2380G>A), located in coding exon 17 of the LTBP3 gene, results from a G to A substitution at nucleotide position 2380. The valine at codon 794 is replaced by methionine, an amino acid with highly similar properties. This amino acid position is conserved. In addition, this alteration is predicted to be tolerated by in silico analysis. Since supporting evidence is limited at this time, the clinical significance of this alteration remains unclear.

NM_001130144.3(LTBP3):c.2380G>A (p.Val794Met)

Gene: LTBP3 (latent transforming growth factor beta binding protein 3; minus strand). Cytogenetic location: 11q13.1.
Variant type: single nucleotide variant.
Coding change: c.2380G>A on transcript NM_001130144.3 (MANE Select); coding-DNA position 2380, G replaced by A.
Protein change: p.Val794Met; replaces valine 794 with methionine.
Molecular consequence: missense variant.
Genome position (GRCh38, 1-based): chr11:65,543,523, C>T on the plus strand (G>A on the coding strand, the complement: LTBP3 is on the minus strand). VCF-style: chr11-65543523-C-T. GRCh37 (hg19) VCF-style: chr11-65310994-C-T.
Other names: c.2029G>A, p.Val677Met (NM_001164266.1); c.2380G>A, p.Val794Met (NM_021070.4); short protein forms V794M, V677M.
Identifiers: ClinVar variation 577538 (VCV000577538.8), dbSNP rs144309426, ClinGen allele CA6100625.